The following is an entry in ClinVar:

ClinVar aggregate classification (germline): Uncertain significance (1 of 4 stars; one submission).

Submission:

Labcorp Genetics (formerly Invitae), Labcorp
Classification: Uncertain significance. Last evaluated: 2021-07-21. Review status: criteria provided, single submitter. Criteria: Invitae Variant Classification Sherloc (09022015). Collection method: clinical testing. Allele origin: germline.
Comment: In summary, the available evidence is currently insufficient to determine the role of this variant in disease. Therefore, it has been classified as a Variant of Uncertain Significance. Algorithms developed to predict the effect of missense changes on protein structure and function output the following: SIFT: "Tolerated"; PolyPhen-2: "Benign"; Align-GVGD: "Class C0". The aspartic acid amino acid residue is found in multiple mammalian species, which suggests that this missense change does not adversely affect protein function. This variant has not been reported in the literature in individuals affected with NFE2L2-related conditions. This variant is not present in population databases (ExAC no frequency). This sequence change replaces asparagine with aspartic acid at codon 424 of the NFE2L2 protein (p.Asn424Asp). The asparagine residue is moderately conserved and there is a small physicochemical difference between asparagine and aspartic acid.

NM_006164.5(NFE2L2):c.1270A>G (p.Asn424Asp)

Gene: NFE2L2 (NFE2 like bZIP transcription factor 2; minus strand). Cytogenetic location: 2q31.2.
Variant type: single nucleotide variant.
Coding change: c.1270A>G on transcript NM_006164.5 (MANE Select); coding-DNA position 1270, A replaced by G.
Protein change: p.Asn424Asp; replaces asparagine 424 with aspartic acid.
Molecular consequence: missense variant.
Genome position (GRCh38, 1-based): chr2:177,231,333, T>C on the plus strand (A>G on the coding strand, the complement: NFE2L2 is on the minus strand). VCF-style: chr2-177231333-T-C. GRCh37 (hg19) VCF-style: chr2-178096061-T-C.
Other names: c.1222A>G, p.Asn408Asp (NM_001145412.3, NM_001313900.1, NM_001313901.1); c.1201A>G, p.Asn401Asp (NM_001145413.3); c.1180A>G, p.Asn394Asp (NM_001313902.2); c.1051A>G, p.Asn351Asp (NM_001313903.2); c.970A>G, p.Asn324Asp (NM_001313904.1); short protein forms N324D, N394D, N401D, N351D, N408D, N424D.
Identifiers: ClinVar variation 1356474 (VCV001356474.8), dbSNP rs2105452224, ClinGen allele CA349371150.
Genomic context (GRCh38, chr2:177,231,333, plus strand): 5'-CTTTTGTGAATGGGGTTTTCCGATGACCAGGACTTACAGGCAATTCTTTCTCTGGTGTGT[T>C]CTCACATTGGGCATCATGCACGTGAGTGCTCTGCCCCTGAGATGGTGACAAGGGTTGTAC-3'
Protein context (NP_006155.2, residues 414-434): STHVHDAQCE[Asn424Asp]TPEKELPVSP